The following is an entry in ClinVar:

ClinVar aggregate classification (germline): Conflicting classifications of pathogenicity. Review status: criteria provided, conflicting classifications (1 of 4 stars). 4 submissions from 4 submitters: Uncertain significance (1); Likely benign (2). 1 of the submissions does not count toward it. Last evaluated 2026-01-07.

Conditions:
OPA1-related disorder. Also called: OPA1-related condition; OPA1-related disorders.

Allele frequency attached by ClinVar (database versions not stated): TOPMed below 0.00001; ExAC 0.00002; ESP Exome Variant Server 0.00008.
gnomAD v4.1: 35 of 1,613,966 alleles (0.0022%); highest among the groups gnomAD compares: Non-Finnish European, 0.003%; no homozygotes.

Submissions (4):

Labcorp Genetics (formerly Invitae), Labcorp
Classification: Likely benign. Last evaluated: 2026-01-07. Review status: criteria provided, single submitter. Criteria: Invitae Variant Classification Sherloc (09022015). Collection method: clinical testing. Allele origin: germline.

Blueprint Genetics
Classification: Likely benign. Last evaluated: 2022-10-03. Review status: criteria provided, single submitter. Criteria: ACMG Guidelines, 2015. Collection method: clinical testing. Allele origin: germline.

GeneDx
Classification: Uncertain significance. Last evaluated: 2019-08-13. Review status: criteria provided, single submitter. Criteria: GeneDx Variant Classification Process June 2021. Collection method: clinical testing. Allele origin: germline. Affected: yes.
Comment: In silico analysis, which includes splice predictors and evolutionary conservation, supports that this variant does not alter protein structure/function; Has not been previously published as pathogenic or benign to our knowledge

PreventionGenetics, part of Exact Sciences
Classification: Likely benign for OPA1-related condition. Last evaluated: 2023-06-22. Review status: no assertion criteria provided. Collection method: clinical testing. Allele origin: germline. Not counted in ClinVar's aggregate classification.
Comment: This variant is classified as likely benign based on ACMG/AMP sequence variant interpretation guidelines (Richards et al. 2015 PMID: 25741868, with internal and published modifications).

NM_130837.3(OPA1):c.696C>T (p.Leu232=)

Genes: OPA1 (OPA1 mitochondrial dynamin like GTPase; plus strand), OPA1-AS1 (OPA1 antisense RNA 1; minus strand). Cytogenetic location: 3q29.
Variant type: single nucleotide variant.
Coding change: c.696C>T on transcript NM_130837.3 (MANE Select); coding-DNA position 696, C replaced by T.
Protein change: p.Leu232=; no amino-acid change (leucine 232 retained).
Molecular consequence: synonymous variant. On other transcripts: intron variant (5).
Genome position (GRCh38, 1-based): chr3:193,626,109, C>T. VCF-style: chr3-193626109-C-T. GRCh37 (hg19) VCF-style: chr3-193343898-C-T.
Other names: c.696C>T (NM_130837.2); c.162C>T, p.Leu54= (NM_001354663.2); c.534C>T, p.Leu178= (NM_130833.3); c.588C>T, p.Leu196= (NM_130835.3); c.642C>T, p.Leu214= (NM_130836.3); c.253-5503C>T (NM_001354664.2); c.679-5503C>T (NM_130834.3); c.625-5503C>T (NM_015560.3); and 2 more.
Identifiers: ClinVar variation 1318826 (VCV001318826.8), dbSNP rs375209295, ClinGen allele CA2759116.